The following is an entry in ClinVar:

ClinVar aggregate classification (germline): Uncertain significance. Review status: criteria provided, multiple submitters, no conflicts (2 of 4 stars). 2 submissions from 2 submitters: Uncertain significance (2). Last evaluated 2025-04-13.

Conditions:
Cardiovascular phenotype. Identifiers: MedGen CN230736.

Allele frequency attached by ClinVar (database versions not stated): TOPMed 0.00002; gnomAD 0.00001.
gnomAD v4.1: 15 of 1,594,542 alleles (0.00094%); highest among the groups gnomAD compares: African/African-American, 0.0013%; no homozygotes.

Submissions (2):

Ambry Genetics
Classification: Uncertain significance for Cardiovascular phenotype. Last evaluated: 2025-04-13. Review status: criteria provided, single submitter. Criteria: Ambry Variant Classification Scheme 2023. Collection method: clinical testing. Allele origin: germline.

GeneDx
Classification: Uncertain significance. Last evaluated: 2024-10-06. Review status: criteria provided, single submitter. Criteria: GeneDx Variant Classification Process June 2021. Collection method: clinical testing. Allele origin: germline. Affected: yes.
Comment: Not observed at significant frequency in large population cohorts (gnomAD); In silico analysis supports that this missense variant has a deleterious effect on protein structure/function; Has not been previously published as pathogenic or benign to our knowledge

NM_001365276.2(TNXB):c.2843C>T (p.Thr948Met)

Gene: TNXB (tenascin XB; minus strand). Cytogenetic location: 6p21.33.
Variant type: single nucleotide variant.
Coding change: c.2843C>T on transcript NM_001365276.2 (MANE Select); coding-DNA position 2843, C replaced by T.
Protein change: p.Thr948Met; replaces threonine 948 with methionine.
Molecular consequence: missense variant.
Genome position (GRCh38, 1-based): chr6:32,086,055, G>A on the plus strand (C>T on the coding strand, the complement: TNXB is on the minus strand). VCF-style: chr6-32086055-G-A. GRCh37 (hg19) VCF-style: chr6-32053832-G-A.
Other names: c.2843C>T, p.Thr948Met (NM_019105.8); short protein forms T948M.
Identifiers: ClinVar variation 1796740 (VCV001796740.4), dbSNP rs950928412, ClinGen allele CA136899431.